The following is an entry in ClinVar:

ClinVar aggregate classification (germline): Uncertain significance (1 of 4 stars; one submission).

Submission:

GeneDx
Classification: Uncertain significance. Last evaluated: 2022-11-29. Review status: criteria provided, single submitter. Criteria: GeneDx Variant Classification Process June 2021. Collection method: clinical testing. Allele origin: germline. Affected: yes.
Comment: Not observed at significant frequency in large population cohorts (gnomAD); In silico analysis supports that this missense variant has a deleterious effect on protein structure/function; Has not been previously published as pathogenic or benign to our knowledge

NM_001170629.2(CHD8):c.4424C>T (p.Thr1475Ile)

Gene: CHD8 (chromodomain helicase DNA binding protein 8; minus strand). Cytogenetic location: 14q11.2.
Variant type: single nucleotide variant.
Coding change: c.4424C>T on transcript NM_001170629.2 (MANE Select); coding-DNA position 4424, C replaced by T.
Protein change: p.Thr1475Ile; replaces threonine 1475 with isoleucine.
Molecular consequence: missense variant.
Genome position (GRCh38, 1-based): chr14:21,400,559, G>A on the plus strand (C>T on the coding strand, the complement: CHD8 is on the minus strand). VCF-style: chr14-21400559-G-A. GRCh37 (hg19) VCF-style: chr14-21868718-G-A.
Other names: c.3587C>T, p.Thr1196Ile (NM_020920.4); short protein forms T1196I, T1475I.
Identifiers: ClinVar variation 2504335 (VCV002504335.1), dbSNP rs2501888676, ClinGen allele CA388894152.